The following is an entry in ClinVar:

NM_006904.7(PRKDC):c.6773A>G (p.Glu2258Gly)

Gene: PRKDC (protein kinase, DNA-activated, catalytic subunit; minus strand). Cytogenetic location: 8q11.21.
Variant type: single nucleotide variant.
Coding change: c.6773A>G on transcript NM_006904.7 (MANE Select); coding-DNA position 6773, A replaced by G.
Protein change: p.Glu2258Gly; replaces glutamic acid 2258 with glycine.
Molecular consequence: missense variant.
Genome position (GRCh38, 1-based): chr8:47,854,203, T>C on the plus strand (A>G on the coding strand, the complement: PRKDC is on the minus strand). VCF-style: chr8-47854203-T-C. GRCh37 (hg19) VCF-style: chr8-48766764-T-C.
Other names: c.6773A>G, p.Glu2258Gly (NM_001081640.2); short protein forms E2258G.
Identifiers: ClinVar variation 1755362 (VCV001755362.2), dbSNP rs2551869282, ClinGen allele CA371158678.

ClinVar aggregate classification (germline): Uncertain significance (1 of 4 stars; one submission).

Allele frequency attached by ClinVar (database versions not stated): gnomAD exomes below 0.00001.
gnomAD v4.1: 1 of 1,613,300 alleles (0.000062%); highest among the groups gnomAD compares: Non-Finnish European, 0.000085%; no homozygotes.

Submission:

Ambry Genetics
Classification: Uncertain significance. Last evaluated: 2021-07-13. Review status: criteria provided, single submitter. Criteria: Ambry Variant Classification Scheme 2023. Collection method: clinical testing. Allele origin: germline.
Comment: The p.E2258G variant (also known as c.6773A>G), located in coding exon 51 of the PRKDC gene, results from an A to G substitution at nucleotide position 6773. The glutamic acid at codon 2258 is replaced by glycine, an amino acid with similar properties. This amino acid position is conserved. Since supporting evidence is limited at this time, the clinical significance of this alteration remains unclear.